The following is an entry in ClinVar:

ClinVar aggregate classification (germline): Benign (3 of 4 stars; one submission).

Conditions:
Breast-ovarian cancer, familial, susceptibility to, 1 (BROVCA1). Also called: BRCA1 Hereditary Breast and Ovarian Cancer; OVARIAN CANCER, SUSCEPTIBILITY TO. Identifiers: Orphanet 145, MedGen C2676676, MONDO:0011450, OMIM 604370. Disease mechanism: loss of function.

Allele frequency attached by ClinVar (database versions not stated): 1000 Genomes Project 30x 0.01312; 1000 Genomes Project 0.01358; TOPMed 0.01900.

Submission:

Evidence-based Network for the Interpretation of Germline Mutant Alleles (ENIGMA)
Classification: Benign for Breast-ovarian cancer, familial 1. Last evaluated: 2015-01-12. Review status: reviewed by expert panel. Criteria: ENIGMA BRCA1/2 Classification Criteria (2015). Collection method: curation. Allele origin: germline.
Comment: Class 1 not pathogenic based on frequency >1% in an outbred sampleset. Frequency 0.02639 (European), derived from 1000 genomes (2012-04-30).

NM_007294.4(BRCA1):c.135-2555C>G

Gene: BRCA1 (BRCA1 DNA repair associated; minus strand). Cytogenetic location: 17q21.31.
Variant type: single nucleotide variant.
Coding change: c.135-2555C>G on transcript NM_007294.4 (MANE Select); 2555 bases into the intron before coding-DNA position 135, C replaced by G.
Molecular consequence: intron variant.
Genome position (GRCh38, 1-based): chr17:43,109,088, G>C on the plus strand (C>G on the coding strand, the complement: BRCA1 is on the minus strand). VCF-style: chr17-43109088-G-C. GRCh37 (hg19) VCF-style: chr17-41261105-G-C.
Other names: IVS 3-2555C>G; c.-7-2555C>G (NM_001408458.1, NM_001407931.1, NM_001407747.1 and 82 more transcripts); c.-218-14228C>G (NM_001407967.1, NM_001407966.1); c.-169-4132C>G (NM_001407959.1, NM_001407962.1, NM_001408512.1 and 3 more transcripts); c.-54-2555C>G (NM_001407885.1, NM_001407886.1, NM_001407898.1 and 56 more transcripts); c.-8+1377C>G (NM_001407746.1, NM_001408468.1, NM_001407842.1 and 14 more transcripts); c.135-2555C>G (NM_001407686.1, NM_001408397.1, NM_001407632.1 and 167 more transcripts); c.81-4132C>G (NM_001408451.1); and 3 more.
Identifiers: ClinVar variation 209502 (VCV000209502.2), dbSNP rs8176121, ClinGen allele CA276472.
Genomic context (GRCh38, chr17:43,109,088, plus strand): 5'-CTATATCTATATCTCTATCTATCTACCTACCTATCTATCTGTCTACAGTCTTGAACTCCC[G>C]ACCTCAAGTGATCGCCTGCTTCAGCCTCCCAAAGTGCTGGGATTACAGGTGTGAGCCATT-3'